The following is an entry in ClinVar:

ClinVar aggregate classification (germline): Likely pathogenic (1 of 4 stars; one submission).

Submission:

CeGaT Center for Human Genetics Tuebingen
Classification: Likely pathogenic. Last evaluated: 2024-03-01. Review status: criteria provided, single submitter. Criteria: CeGaT Center For Human Genetics Tuebingen Variant Classification Criteria Version 2. Collection method: clinical testing. Allele origin: germline. Affected: yes. Observed: 1 variant allele.
Comment: MYO15A: PM3:Strong, PM2, PVS1:Moderate

NM_016239.4(MYO15A):c.10581del (p.Thr3528fs)

Gene: MYO15A (myosin XVA; plus strand). Cytogenetic location: 17p11.2.
Variant type: Deletion.
Coding change: c.10581del on transcript NM_016239.4 (MANE Select); coding-DNA position 10581, one base deleted (C; older notation c.10581delC).
Protein change: p.Thr3528fs; shifts the reading frame from threonine 3528.
Molecular consequence: frameshift variant.
Genome position (GRCh38, 1-based): chr17:18,178,858, C deleted. VCF-style (leftmost placement, unchanged base first): chr17-18178857-TC-T. GRCh37 (hg19) VCF-style: chr17-18082171-TC-T.
Other names: short protein forms T3528fs.
Identifiers: ClinVar variation 3067538 (VCV003067538.21), dbSNP rs2545346977, ClinGen allele CA2695224513.